The following is an entry in ClinVar:

NM_001064.4(TKT):c.1218C>T (p.Ser406=)

Gene: TKT (transketolase; minus strand). Cytogenetic location: 3p21.1.
Variant type: single nucleotide variant.
Coding change: c.1218C>T on transcript NM_001064.4 (MANE Select); coding-DNA position 1218, C replaced by T.
Protein change: p.Ser406=; no amino-acid change (serine 406 retained).
Molecular consequence: synonymous variant. On other transcripts: non-coding transcript variant (1).
Genome position (GRCh38, 1-based): chr3:53,229,326, G>A on the plus strand (C>T on the coding strand, the complement: TKT is on the minus strand). VCF-style: chr3-53229326-G-A. GRCh37 (hg19) VCF-style: chr3-53263342-G-A.
Other names: c.1218C>T, p.Ser406= (NM_001135055.3); c.1242C>T, p.Ser414= (NM_001258028.2).
Identifiers: ClinVar variation 3034663 (VCV003034663.2), dbSNP rs782304194, ClinGen allele CA2452603.

ClinVar aggregate classification (germline): Likely benign (0 of 4 stars; one submission).

Conditions:
TKT-related disorder. Also called: TKT-related condition.

Allele frequency attached by ClinVar (database versions not stated): gnomAD 0.00005; ExAC 0.00008; TOPMed 0.00008.

Submission:

PreventionGenetics, part of Exact Sciences
Classification: Likely benign for TKT-related condition. Last evaluated: 2019-08-06. Review status: no assertion criteria provided. Collection method: clinical testing. Allele origin: germline.
Comment: This variant is classified as likely benign based on ACMG/AMP sequence variant interpretation guidelines (Richards et al. 2015 PMID: 25741868, with internal and published modifications).